The following is an entry in ClinVar:

ClinVar aggregate classification (germline): Uncertain significance. Review status: criteria provided, multiple submitters, no conflicts (2 of 4 stars). 3 submissions from 3 submitters: Uncertain significance (3). Last evaluated 2025-10-21.

Conditions:
Global developmental delay - lung cysts - overgrowth - Wilms tumor syndrome. Also called: GLOW Syndrome; GLOBAL DEVELOPMENTAL DELAY, LUNG CYSTS, OVERGROWTH, AND WILMS TUMOR. Identifiers: Orphanet 404476, MedGen C4748924, MONDO:0018445, OMIM 618272.
Hereditary cancer-predisposing syndrome. Also called: Tumor predisposition; Neoplastic Syndromes, Hereditary; Hereditary Cancer Syndrome; Hereditary neoplastic syndrome. Identifiers: Orphanet 140162, MedGen C0027672, MeSH D009386, MONDO:0015356.
DICER1-related tumor predisposition. Also called: DICER1-related pleuropulmonary blastoma cancer predisposition syndrome; DICER1 syndrome. Identifiers: Orphanet 284343, MedGen C3839822, MONDO:0100216.

Allele frequency attached by ClinVar (database versions not stated): gnomAD 0.00001.
gnomAD v4.1: 3 of 1,614,050 alleles (0.00019%); highest among the groups gnomAD compares: Admixed American, 0.0017%; no homozygotes.

Submissions (3):

Labcorp Genetics (formerly Invitae), Labcorp
Classification: Uncertain significance for DICER1-related tumor predisposition. Last evaluated: 2025-10-21. Review status: criteria provided, single submitter. Criteria: Invitae Variant Classification Sherloc (09022015). Collection method: clinical testing. Allele origin: germline.
Comment: This sequence change replaces lysine, which is basic and polar, with asparagine, which is neutral and polar, at codon 1672 of the DICER1 protein (p.Lys1672Asn). This variant is present in population databases (no rsID available, gnomAD no frequency). This variant has not been reported in the literature in individuals affected with DICER1-related conditions. ClinVar contains an entry for this variant (Variation ID: 477232). Invitae Evidence Modeling of protein sequence and biophysical properties (such as structural, functional, and spatial information, amino acid conservation, physicochemical variation, residue mobility, and thermodynamic stability) has been performed for this missense variant. However, the output from this modeling did not meet the statistical confidence thresholds required to predict the impact of this variant on DICER1 protein function. In summary, the available evidence is currently insufficient to determine the role of this variant in disease. Therefore, it has been classified as a Variant of Uncertain Significance.

Ambry Genetics
Classification: Uncertain significance for Hereditary cancer-predisposing syndrome. Last evaluated: 2024-09-12. Review status: criteria provided, single submitter. Criteria: Ambry Variant Classification Scheme 2023. Collection method: clinical testing. Allele origin: germline.
Comment: The p.K1672N variant (also known as c.5016A>T), located in coding exon 22 of the DICER1 gene, results from an A to T substitution at nucleotide position 5016. The lysine at codon 1672 is replaced by asparagine, an amino acid with similar properties. This amino acid position is highly conserved in available vertebrate species. In addition, the in silico prediction for this alteration is inconclusive. Based on the available evidence, the clinical significance of this variant remains unclear.

Baylor Genetics
Classification: Uncertain significance for Global developmental delay - lung cysts - overgrowth - Wilms tumor syndrome. Last evaluated: 2023-10-18. Review status: criteria provided, single submitter. Criteria: ACMG Guidelines, 2015. Collection method: clinical testing. Allele origin: unknown.

NM_177438.3(DICER1):c.5016A>T (p.Lys1672Asn)

Gene: DICER1 (dicer 1, ribonuclease III; minus strand). Cytogenetic location: 14q32.13.
Variant type: single nucleotide variant.
Coding change: c.5016A>T on transcript NM_177438.3 (MANE Select); coding-DNA position 5016, A replaced by T.
Protein change: p.Lys1672Asn; replaces lysine 1672 with asparagine.
Molecular consequence: missense variant.
Genome position (GRCh38, 1-based): chr14:95,095,904, T>A on the plus strand (A>T on the coding strand, the complement: DICER1 is on the minus strand). VCF-style: chr14-95095904-T-A. GRCh37 (hg19) VCF-style: chr14-95562241-T-A.
Other names: c.5016A>T, p.Lys1672Asn (NM_001195573.1, NM_001271282.3, NM_001291628.2 and 1 more transcripts); short protein forms K1672N.
Identifiers: ClinVar variation 477232 (VCV000477232.15), dbSNP rs1438773814, ClinGen allele CA390866091.